The following is an entry in ClinVar:

ClinVar aggregate classification (germline): Uncertain significance (1 of 4 stars; one submission).

Allele frequency attached by ClinVar (database versions not stated): gnomAD exomes below 0.00001 and 0.00001; gnomAD 0.00001 and 0.00003; TOPMed 0.00002.
gnomAD v4.1: 7 of 1,614,046 alleles (0.00043%); highest among the groups gnomAD compares: Non-Finnish European, 0.00042%; no homozygotes.

Submission:

Labcorp Genetics (formerly Invitae), Labcorp
Classification: Uncertain significance. Last evaluated: 2021-10-05. Review status: criteria provided, single submitter. Criteria: Invitae Variant Classification Sherloc (09022015). Collection method: clinical testing. Allele origin: germline.
Comment: Algorithms developed to predict the effect of missense changes on protein structure and function output the following: SIFT: "Tolerated"; PolyPhen-2: "Benign"; Align-GVGD: "Class C0". The valine amino acid residue is found in multiple mammalian species, which suggests that this missense change does not adversely affect protein function. This sequence change replaces alanine with valine at codon 393 of the SLC39A7 protein (p.Ala393Val). The alanine residue is moderately conserved and there is a small physicochemical difference between alanine and valine. This variant is not present in population databases (ExAC no frequency). This variant has not been reported in the literature in individuals affected with SLC39A7-related conditions. Algorithms developed to predict the effect of sequence changes on RNA splicing suggest that this variant may create or strengthen a splice site. In summary, the available evidence is currently insufficient to determine the role of this variant in disease. Therefore, it has been classified as a Variant of Uncertain Significance.

NM_006979.3(SLC39A7):c.1178C>T (p.Ala393Val)

Gene: SLC39A7 (solute carrier family 39 member 7; plus strand). Cytogenetic location: 6p21.32.
Variant type: single nucleotide variant.
Coding change: c.1178C>T on transcript NM_006979.3 (MANE Select); coding-DNA position 1178, C replaced by T.
Protein change: p.Ala393Val; replaces alanine 393 with valine.
Molecular consequence: missense variant.
Genome position (GRCh38, 1-based): chr6:33,203,581, C>T. VCF-style: chr6-33203581-C-T. GRCh37 (hg19) VCF-style: chr6-33171358-C-T.
Other names: c.1178C>T, p.Ala393Val (NM_001077516.2); c.803C>T, p.Ala268Val (NM_001288777.2); short protein forms A393V, A268V.
Identifiers: ClinVar variation 1495534 (VCV001495534.6), dbSNP rs1051530104, ClinGen allele CA137060415.